The following is an entry in ClinVar:

ClinVar aggregate classification (germline): Conflicting classifications of pathogenicity. Review status: criteria provided, conflicting classifications (1 of 4 stars). 14 submissions from 11 submitters: Uncertain significance (1); Benign (6); Likely benign (7). Last evaluated 2026-01-28.

Conditions:
Multiple endocrine neoplasia. Identifiers: Orphanet 276161, MedGen C0027662, MONDO:0017169.
Hereditary cancer-predisposing syndrome. Also called: Tumor predisposition; Hereditary neoplastic syndrome; Hereditary Cancer Syndrome; Neoplastic Syndromes, Hereditary. Identifiers: Orphanet 140162, MedGen C0027672, MeSH D009386, MONDO:0015356.
Multiple endocrine neoplasia, type 2 (MEN2). Identifiers: Orphanet 653, MedGen C4048306, MONDO:0019003. Disease mechanism: gain of function.
Multiple endocrine neoplasia type 2A. Also called: Multiple Endocrine Neoplasia Type 2A (MEN2A); MULTIPLE ENDOCRINE NEOPLASIA, TYPE IIA; PTC SYNDROME; SIPPLE SYNDROME; MEN 2A; MEN-2A syndrome. Identifiers: Orphanet 247698, Orphanet 653, MedGen C0025268, MeSH D018813, MONDO:0008234, OMIM 171400.
Hirschsprung disease, susceptibility to, 1 (HSCR1). Also called: RET-Related Hirschsprung Disease. Identifiers: Orphanet 388, MedGen C3888239, MONDO:0007723, OMIM 142623.
Renal hypodysplasia/aplasia 1 (RHDA1). Also called: RENAL APLASIA; HEREDITARY RENAL APLASIA. Identifiers: Orphanet 411709, MedGen C1619700, MONDO:0024519, OMIM 191830.
Pheochromocytoma. Also called: MAX-Related Hereditary Paraganglioma-Pheochromocytoma Syndrome. Identifiers: Orphanet 29072, MedGen C0031511, MONDO:0008233, OMIM 171300, HP:0002666.

Allele frequency attached by ClinVar (database versions not stated): gnomAD 0.00030 and 0.00034; TOPMed 0.00030; ESP Exome Variant Server 0.00031; gnomAD exomes 0.00026 and 0.00041; ExAC 0.00037.
gnomAD v4.1: 443 of 1,613,752 alleles (0.027%); highest among the groups gnomAD compares: Admixed American, 0.015%; no homozygotes.

Submissions (14):

Labcorp Genetics (formerly Invitae), Labcorp
Classification: Benign for Multiple endocrine neoplasia, type 2. Last evaluated: 2026-01-28. Review status: criteria provided, single submitter. Criteria: Invitae Variant Classification Sherloc (09022015). Collection method: clinical testing. Allele origin: germline.

CeGaT Center for Human Genetics Tuebingen
Classification: Likely benign. Last evaluated: 2025-10-01. Review status: criteria provided, single submitter. Criteria: CeGaT Center For Human Genetics Tuebingen Variant Classification Criteria Version 2. Collection method: clinical testing. Allele origin: germline. Affected: yes. Observed: 19 variant alleles.
Comment: RET: BP4, BP7

Blueprint Genetics
Classification: Likely benign. Last evaluated: 2024-11-12. Review status: criteria provided, single submitter. Criteria: ACMG Guidelines, 2015. Collection method: clinical testing. Allele origin: germline.

Color Diagnostics, LLC DBA Color Health
Classification: Benign for Multiple endocrine neoplasia, type 2. Last evaluated: 2022-11-14. Review status: criteria provided, single submitter. Criteria: ACMG Guidelines, 2015. Collection method: clinical testing. Allele origin: germline.

Sema4
Classification: Benign for Hereditary cancer-predisposing syndrome. Last evaluated: 2020-10-16. Review status: criteria provided, single submitter. Criteria: Sema4 Curation Guidelines. Collection method: curation. Allele origin: germline.

Women's Health and Genetics/Laboratory Corporation of America, LabCorp
Classification: Benign. Last evaluated: 2019-06-03. Review status: criteria provided, single submitter. Criteria: LabCorp Variant Classification Summary - May 2015. Collection method: clinical testing. Allele origin: germline.
Comment: Variant summary: RET c.1158G>A alters a non-conserved nucleotide resulting in a synonymous change. 5/5 computational tools predict no significant impact on normal splicing. However, these predictions have yet to be confirmed by functional studies. The variant allele was found at a frequency of 0.00041 in 250982 control chromosomes (gnomAD). The observed variant frequency is approximately 11 fold of the estimated maximal expected allele frequency for a pathogenic variant in RET causing Multiple Endocrine Neoplasia Type 2 phenotype (3.7e-05), strongly suggesting that the variant is benign. To our knowledge, no occurrence of c.1158G>A in individuals affected with Multiple Endocrine Neoplasia Type 2 and no experimental evidence demonstrating its impact on protein function have been reported. Three clinical diagnostic laboratories have submitted clinical-significance assessments for this variant to ClinVar after 2014 without evidence for independent evaluation. All laboratories classified the variant as benign (1x) / likely benign (2x). Based on the evidence outlined above, the variant was classified as benign.

Mendelics
Classification: Likely benign for Multiple endocrine neoplasia type 2A. Last evaluated: 2019-05-28. Review status: criteria provided, single submitter. Criteria: Mendelics Assertion Criteria 2017. Collection method: clinical testing. Allele origin: unknown.

Eurofins Ntd Llc (ga)
Classification: Likely benign. Last evaluated: 2018-03-21. Review status: criteria provided, single submitter. Criteria: EGL ClinVar v180209 classification definitions. Collection method: clinical testing. Allele origin: germline. Observed: 1 variant allele, 1 heterozygote.

Illumina Laboratory Services, Illumina
Classification: Likely benign for Hirschsprung disease, susceptibility to, 1. Last evaluated: 2018-01-12. Review status: criteria provided, single submitter. Criteria: ICSL Variant Classification Criteria 13 December 2019. Collection method: clinical testing. Allele origin: germline.
Comment: This variant was observed in the ICSL laboratory as part of a predisposition screen in an ostensibly healthy population. It had not been previously curated by ICSL or reported in the Human Gene Mutation Database (HGMD: prior to June 1st, 2018), and was therefore a candidate for classification through an automated scoring system. Utilizing variant allele frequency, disease prevalence and penetrance estimates, and inheritance mode, an automated score was calculated to assess if this variant is too frequent to cause the disease. Based on the score and internal cut-off values, a variant classified as likely benign is not then subjected to further curation. The score for this variant resulted in a classification of likely benign for this disease.

Illumina Laboratory Services, Illumina
Classification: Benign for Multiple endocrine neoplasia. Last evaluated: 2018-01-12. Review status: criteria provided, single submitter. Criteria: ICSL Variant Classification Criteria 13 December 2019. Collection method: clinical testing. Allele origin: germline.
Comment: This variant was observed in the ICSL laboratory as part of a predisposition screen in an ostensibly healthy population. It had not been previously curated by ICSL or reported in the Human Gene Mutation Database (HGMD: prior to June 1st, 2018), and was therefore a candidate for classification through an automated scoring system. Utilizing variant allele frequency, disease prevalence and penetrance estimates, and inheritance mode, an automated score was calculated to assess if this variant is too frequent to cause the disease. Based on the score and internal cut-off values, a variant classified as benign is not then subjected to further curation. The score for this variant resulted in a classification of benign for this disease.

Illumina Laboratory Services, Illumina
Classification: Benign for Pheochromocytoma. Last evaluated: 2018-01-12. Review status: criteria provided, single submitter. Criteria: ICSL Variant Classification Criteria 13 December 2019. Collection method: clinical testing. Allele origin: germline.
Comment: the same text as in the submission from Illumina Laboratory Services, Illumina above.

Illumina Laboratory Services, Illumina
Classification: Uncertain significance for Renal hypodysplasia/aplasia 1. Last evaluated: 2018-01-12. Review status: criteria provided, single submitter. Criteria: ICSL Variant Classification Criteria 13 December 2019. Collection method: clinical testing. Allele origin: germline.

GeneDx
Classification: Likely benign. Last evaluated: 2017-09-21. Review status: criteria provided, single submitter. Criteria: GeneDx Variant Classification (06012015). Collection method: clinical testing. Allele origin: germline. Affected: yes.
Comment: This variant is considered likely benign or benign based on one or more of the following criteria: it is a conservative change, it occurs at a poorly conserved position in the protein, it is predicted to be benign by multiple in silico algorithms, and/or has population frequency not consistent with disease.

Ambry Genetics
Classification: Likely benign for Hereditary cancer-predisposing syndrome. Last evaluated: 2014-10-20. Review status: criteria provided, single submitter. Criteria: Ambry Variant Classification Scheme 2023. Collection method: clinical testing. Allele origin: germline.

Literature cited by the submitters: PubMed 30306255 (cited by Women's Health and Genetics/Laboratory Corporation of America, LabCorp).

NM_020975.6(RET):c.1158G>A (p.Ala386=)

Gene: RET (ret proto-oncogene; plus strand). Cytogenetic location: 10q11.21.
Variant type: single nucleotide variant.
Coding change: c.1158G>A on transcript NM_020975.6 (MANE Select); coding-DNA position 1158, G replaced by A.
Protein change: p.Ala386=; no amino-acid change (alanine 386 retained).
Molecular consequence: synonymous variant. On other transcripts: intron variant (18).
Genome position (GRCh38, 1-based): chr10:43,109,125, G>A. VCF-style: chr10-43109125-G-A. GRCh37 (hg19) VCF-style: chr10-43604573-G-A.
Other names: c.1158G>A, p.Ala386= (NM_000323.2, NM_001406743.1, NM_001406744.1 and 6 more transcripts); c.396G>A, p.Ala132= (NM_001355216.2); c.1029G>A, p.Ala343= (NM_001406761.1, NM_001406762.1, NM_001406764.1 and 1 more transcripts); c.870G>A, p.Ala290= (NM_001406766.1, NM_001406767.1, NM_001406770.1); c.720G>A, p.Ala240= (NM_001406771.1, NM_001406773.1); c.432G>A, p.Ala144= (NM_001406775.1, NM_001406776.1, NM_001406777.1 and 1 more transcripts); c.168G>A, p.Ala56= (NM_001406784.1); c.868-2082G>A (NM_001406772.1, NM_001406769.1); and 5 more.
Identifiers: ClinVar variation 136095 (VCV000136095.69), dbSNP rs373540097, ClinGen allele CA007461.